The following is an entry in ClinVar:

NM_014991.6(WDFY3):c.263T>C (p.Met88Thr)

Gene: WDFY3 (WD repeat and FYVE domain containing 3; minus strand). Cytogenetic location: 4q21.23.
Variant type: single nucleotide variant.
Coding change: c.263T>C on transcript NM_014991.6 (MANE Select); coding-DNA position 263, T replaced by C.
Protein change: p.Met88Thr; replaces methionine 88 with threonine.
Molecular consequence: missense variant.
Genome position (GRCh38, 1-based): chr4:84,849,943, A>G on the plus strand (T>C on the coding strand, the complement: WDFY3 is on the minus strand). VCF-style: chr4-84849943-A-G. GRCh37 (hg19) VCF-style: chr4-85771096-A-G.
Other names: short protein forms M88T.
Identifiers: ClinVar variation 3906802 (VCV003906802.2).
Genomic context (GRCh38, chr4:84,849,943, plus strand): 5'-CTGGCTACTGTAAAAATACCTGTGGATTTGTTTGATGCTCTCCTTCGAATTTCTGTCACC[A>G]TTAGTCGTGAGACTTGTGTTGTGAACTGCAGAAGATCAGAAAATTTTTCTGTCATTGTAT-3'
Protein context (NP_055806.2, residues 78-98): LQFTTQVSRL[Met88Thr]VTEIRRRASN

ClinVar aggregate classification (germline): Uncertain significance (1 of 4 stars; one submission).

gnomAD v4.1: 2 of 1,611,950 alleles (0.00012%); highest among the groups gnomAD compares: Non-Finnish European, 0.00017%; no homozygotes.

Submission:

GeneDx
Classification: Uncertain significance. Last evaluated: 2026-01-03. Review status: criteria provided, single submitter. Criteria: GeneDx Variant Classification Process June 2021. Collection method: clinical testing. Allele origin: germline.
Comment: Not observed at significant frequency in large population cohorts (gnomAD); In silico analysis supports that this missense variant has a deleterious effect on protein structure/function; Has not been previously published as pathogenic or benign to our knowledge